The following is an entry in ClinVar:

NM_002449.5(MSX2):c.*349T>C

Gene: MSX2 (msh homeobox 2; plus strand). Cytogenetic location: 5q35.2.
Variant type: single nucleotide variant.
Coding change: c.*349T>C on transcript NM_002449.5 (MANE Select); 349 bases downstream of the stop codon, T replaced by C.
Molecular consequence: 3 prime UTR variant.
Genome position (GRCh38, 1-based): chr5:174,729,932, T>C. VCF-style: chr5-174729932-T-C. GRCh37 (hg19) VCF-style: chr5-174156935-T-C.
Other names: c.*777T>C (NM_001363626.2).
Identifiers: ClinVar variation 352846 (VCV000352846.5), dbSNP rs114567531, ClinGen allele CA10620049.

ClinVar aggregate classification (germline): Benign. Review status: criteria provided, single submitter (1 of 4 stars). 2 submissions from 1 submitter: Benign (2). Last evaluated 2018-01-13.

Conditions:
Parietal foramina 1 (PFM1). Also called: FORAMINA PARIETALIA PERMAGNA; PARIETAL FORAMINA, SYMMETRIC. Identifiers: Orphanet 60015, MedGen C1868599, MONDO:0008197, OMIM 168500.
Craniosynostosis 2 (CRS2). Also called: Warman-Mulliken-Hayward syndrome; Craniosynostosis Warman type; Craniosynostosis Boston type. Identifiers: Orphanet 1541, MedGen C1858160, MONDO:0011481, OMIM 604757.

Allele frequency attached by ClinVar (database versions not stated): gnomAD 0.02466 and 0.02667; 1000 Genomes Project 0.02616; 1000 Genomes Project 30x 0.02748; TOPMed 0.02767.
gnomAD v4.1: 3,709 of 152,628 alleles (2.4%); highest among the groups gnomAD compares: African/African-American, 8.5%; 161 homozygotes.

Submissions (2):

Illumina Laboratory Services, Illumina
Classification: Benign for Craniosynostosis 2. Last evaluated: 2018-01-13. Review status: criteria provided, single submitter. Criteria: ICSL Variant Classification Criteria 13 December 2019. Collection method: clinical testing. Allele origin: germline.
Comment: This variant was observed in the ICSL laboratory as part of a predisposition screen in an ostensibly healthy population. It had not been previously curated by ICSL or reported in the Human Gene Mutation Database (HGMD: prior to June 1st, 2018), and was therefore a candidate for classification through an automated scoring system. Utilizing variant allele frequency, disease prevalence and penetrance estimates, and inheritance mode, an automated score was calculated to assess if this variant is too frequent to cause the disease. Based on the score and internal cut-off values, a variant classified as benign is not then subjected to further curation. The score for this variant resulted in a classification of benign for this disease.

Illumina Laboratory Services, Illumina
Classification: Benign for Parietal foramina 1. Last evaluated: 2018-01-13. Review status: criteria provided, single submitter. Criteria: ICSL Variant Classification Criteria 13 December 2019. Collection method: clinical testing. Allele origin: germline.
Comment: the same text as in the submission from Illumina Laboratory Services, Illumina above.